The following is an entry in ClinVar:

ClinVar aggregate classification (germline): Conflicting classifications of pathogenicity. Review status: criteria provided, conflicting classifications (1 of 4 stars). 15 submissions from 15 submitters: Uncertain significance (13); Likely benign (2). Last evaluated 2026-09-01.

Conditions:
Sensory ataxic neuropathy, dysarthria, and ophthalmoparesis (SANDO). Also called: Sensory ataxic neuropathy-dysarthria-ophthalmoparesis syndrome; Ataxia Neuropathy Spectrum (ANS); Epilepsy, progressive myoclonic, type 5; SENSORY ATAXIC NEUROPATHY WITH MITOCHONDRIAL DNA DELETIONS, AUTOSOMAL RECESSIVE. Identifiers: Orphanet 70595, MedGen C1843851, MONDO:0011835, OMIM 607459.
Progressive external ophthalmoplegia with mitochondrial DNA deletions, autosomal recessive 1 (PEOB1). Also called: Progressive external ophthalmoplegia, autosomal recessive 1; Autosomal Recessive Progressive External Ophthalmoplegia (arPEO). Identifiers: Orphanet 254886, MedGen C4225153, MONDO:0009783, OMIM 258450.
Progressive external ophthalmoplegia with mitochondrial DNA deletions, autosomal dominant 1 (PEOA1). Also called: PROGRESSIVE EXTERNAL OPHTHALMOPLEGIA, AUTOSOMAL DOMINANT 1; Autosomal Dominant Progressive External Ophthalmoplegia (adPEO). Identifiers: MedGen C1834846, MONDO:0024528, OMIM 157640.
Mitochondrial DNA depletion syndrome 4b. Also called: MNGIE, POLG-RELATED; Mitochondrial Neurogastrointestinal Encephalopathy Disease, POLG-Related. Identifiers: Orphanet 298, MedGen C3150914, MONDO:0013350, OMIM 613662.
Mitochondrial DNA depletion syndrome 1. Also called: Mitochondrial Neurogastrointestinal Encephalopathy Disease; MITOCHONDRIAL NEUROGASTROINTESTINAL ENCEPHALOPATHY SYNDROME, TYMP-RELATED; MNGIE, TYMP-RELATED; Mitochondrial DNA depletion syndrome 1 (MNGIE type); Mitochondrial neurogastrointestinal encephalomyopathy syndrome; POLIP SYNDROME. Identifiers: Orphanet 298, MedGen C4551995, MONDO:0011283, OMIM 603041.
POLG-related disorder. Also called: POLG-Related Spectrum Disorders; POLG-related condition; POLG-Related Disorders. Identifiers: MedGen C4763519.
Progressive sclerosing poliodystrophy (MTDPS4A). Also called: Alpers Syndrome; Mitochondrial DNA depletion syndrome 4A (Alpers type); ALPERS DIFFUSE DEGENERATION OF CEREBRAL GRAY MATTER WITH HEPATIC CIRRHOSIS; Alpers-Huttenlocher Syndrome; ALPERS PROGRESSIVE INFANTILE POLIODYSTROPHY; NEURONAL DEGENERATION OF CHILDHOOD WITH LIVER DISEASE, PROGRESSIVE. Identifiers: Orphanet 726, MedGen C0205710, MONDO:0008758, OMIM 203700.
Inborn genetic diseases. Identifiers: MedGen C0950123, MeSH D030342.

Allele frequency attached by ClinVar (database versions not stated): gnomAD 0.00031 and 0.00032; ExAC 0.00017; TOPMed 0.00028.

Submissions (17):

CeGaT Center for Human Genetics Tuebingen
Classification: Uncertain significance. Last evaluated: 2026-09-01. Review status: criteria provided, single submitter. Criteria: CeGaT Center For Human Genetics Tuebingen Variant Classification Criteria Version 2. Collection method: clinical testing. Allele origin: germline. Affected: yes. Observed: 1 variant allele.
Comment: POLG: PM2, PP3

Labcorp Genetics (formerly Invitae), Labcorp
Classification: Likely benign for Progressive sclerosing poliodystrophy. Last evaluated: 2026-01-28. Review status: criteria provided, single submitter. Criteria: Invitae Variant Classification Sherloc (09022015). Collection method: clinical testing. Allele origin: germline.

PreventionGenetics, part of Exact Sciences
Classification: Uncertain significance for POLG-related condition. Last evaluated: 2025-08-19. Review status: criteria provided, single submitter. Criteria: ACMG Guidelines, 2015. Collection method: clinical testing. Allele origin: germline.
Comment: The POLG c.3098C>T variant is predicted to result in the amino acid substitution p.Ala1033Val. This variant has been reported in the compound heterozygous state along with a second variant in this gene in a individual with hypotonia, low set ears, and bilateral clubfeet (AlJabri et al. 2018. PubMed ID: 30290626) and found in the heterozygous condition another individual with encephalopathy, seizure, and abnormal MRI (Table S2, Tang et al. 2011. PubMed ID: 21880868). This variant is reported in 0.13% of alleles in individuals of Ashkenazi Jewish descent in gnomAD. At this time, the clinical significance of this variant is uncertain due to the absence of conclusive functional and genetic evidence.

Ambry Genetics
Classification: Uncertain significance for Inborn genetic diseases. Last evaluated: 2024-12-09. Review status: criteria provided, single submitter. Criteria: Ambry Variant Classification Scheme 2023. Collection method: clinical testing. Allele origin: germline.

Revvity Omics, Revvity
Classification: Uncertain significance. Last evaluated: 2024-11-29. Review status: criteria provided, single submitter. Criteria: ACMG Guidelines, 2015. Collection method: clinical testing. Allele origin: germline.

Blueprint Genetics
Classification: Uncertain significance. Last evaluated: 2024-11-08. Review status: criteria provided, single submitter. Criteria: ACMG Guidelines, 2015. Collection method: clinical testing. Allele origin: germline.

Athena Diagnostics
Classification: Uncertain significance. Last evaluated: 2023-10-25. Review status: criteria provided, single submitter. Criteria: Athena Diagnostics Criteria. Collection method: clinical testing. Allele origin: unknown.
Comment: Available data are insufficient to determine the clinical significance of the variant at this time. The frequency of this variant in the general population is uninformative in assessment of its pathogenicity. Computational tools predict that this variant is not damaging.

Department of Pathology and Laboratory Medicine, Sinai Health System
Classification: Uncertain significance for Sensory ataxic neuropathy, dysarthria, and ophthalmoparesis; Mitochondrial DNA depletion syndrome 4b; Mitochondrial DNA depletion syndrome 1; Progressive external ophthalmoplegia with mitochondrial DNA deletions, autosomal recessive 1; Progressive external ophthalmoplegia with mitochondrial DNA deletions, autosomal dominant 1. Last evaluated: 2022-11-08. Review status: criteria provided, single submitter. Criteria: ACMG Guidelines, 2015. Collection method: research. Allele origin: germline.

GeneDx
Classification: Likely benign. Last evaluated: 2020-10-26. Review status: criteria provided, single submitter. Criteria: GeneDx Variant Classification Process June 2021. Collection method: clinical testing. Allele origin: germline. Affected: yes.
Comment: This variant is associated with the following publications: (PMID: 21880868, 30290626)

Baylor Genetics
Classification: Uncertain significance for Progressive external ophthalmoplegia with mitochondrial DNA deletions, autosomal recessive 1. Last evaluated: 2020-09-09. Review status: criteria provided, single submitter. Criteria: ACMG Guidelines, 2015. Collection method: clinical testing. Allele origin: unknown. Affected: yes.
Comment: This variant was determined to be of uncertain significance according to ACMG Guidelines, 2015 [PMID:25741868].

Mayo Clinic Laboratories, Mayo Clinic
Classification: Uncertain significance. Last evaluated: 2020-07-31. Review status: criteria provided, single submitter. Criteria: ACMG Guidelines, 2015. Collection method: clinical testing. Allele origin: germline. Observed: 4 variant alleles.

Fulgent Genetics
Classification: Uncertain significance for Progressive external ophthalmoplegia with mitochondrial DNA deletions, autosomal dominant 1; Progressive sclerosing poliodystrophy; Progressive external ophthalmoplegia with mitochondrial DNA deletions, autosomal recessive 1; Mitochondrial DNA depletion syndrome 1; Sensory ataxic neuropathy, dysarthria, and ophthalmoparesis; Mitochondrial DNA depletion syndrome 4b. Last evaluated: 2018-10-31. Review status: criteria provided, single submitter. Criteria: ACMG Guidelines, 2015. Collection method: clinical testing. Allele origin: unknown.

Wong Mito Lab, Molecular and Human Genetics, Baylor College of Medicine
Classification: Uncertain significance for Progressive sclerosing poliodystrophy. Last evaluated: 2018-10-01. Review status: criteria provided, single submitter. Criteria: ACMG Guidelines, 2015. Collection method: clinical testing. Allele origin: germline.
Comment: The NM_002693.2:c.3098C>T (NP_002684.1:p.Ala1033Val) [GRCH38: NC_000015.10:g.89319234G>A] variant in POLG gene is interpretated to be a Uncertain Significance based on ACMG guidelines (PMID: 25741868). This variant meets the following evidence codes reported in the ACMG-guideline. BS2:Observation of the variant in controls is inconsistent with penetrance of Mitochondrial DNA depletion syndrome 4A (Alpers type). BP4:Computational evidence/predictors indicate no impact on the POLG structure, function, or protein-protein interaction. PP3:Computational evidence/predictors indicate the variant has deleterious effect on POLG structure, function, or protein-protein interaction. Based on the evidence criteria codes applied, the variant is suggested to be Uncertain Significance.

Illumina Laboratory Services, Illumina
Classification: Uncertain significance for POLG-Related Spectrum Disorders. Last evaluated: 2018-01-13. Review status: criteria provided, single submitter. Criteria: ICSL Variant Classification Criteria 13 December 2019. Collection method: clinical testing. Allele origin: germline.

Eurofins Ntd Llc (ga)
Classification: Uncertain significance. Last evaluated: 2017-10-16. Review status: criteria provided, single submitter. Criteria: EGL Classification Definitions 2015. Collection method: clinical testing. Allele origin: germline. Observed: 2 variant alleles, 2 heterozygotes.

Dr. Peter K. Rogan Lab, Western University
No classification provided (evidence only). Condition: Cervical cancer. Review status: no classification provided. Collection method: in vitro. Allele origin: not applicable. Functional consequence: retained intron. Not counted in ClinVar's aggregate classification.

Dr. Peter K. Rogan Lab, Western University
No classification provided (evidence only). Condition: Malignant lymphoma, large B-cell, diffuse. Review status: no classification provided. Collection method: in vitro. Allele origin: not applicable. Functional consequence: retained intron. Not counted in ClinVar's aggregate classification.

Literature cited by the submitters: PubMed 21880868 (cited by Athena Diagnostics); PubMed 30290626 (cited by Athena Diagnostics); PubMed 37256495 (cited by Athena Diagnostics); PubMed 31765440 (cited by Athena Diagnostics).

NM_002693.3(POLG):c.3098C>T (p.Ala1033Val)

Gene: POLG (DNA polymerase gamma, catalytic subunit; minus strand). Cytogenetic location: 15q26.1.
Variant type: single nucleotide variant.
Coding change: c.3098C>T on transcript NM_002693.3 (MANE Select); coding-DNA position 3098, C replaced by T.
Protein change: p.Ala1033Val; replaces alanine 1033 with valine.
Molecular consequence: missense variant.
Genome position (GRCh38, 1-based): chr15:89,319,234, G>A on the plus strand (C>T on the coding strand, the complement: POLG is on the minus strand). VCF-style: chr15-89319234-G-A. GRCh37 (hg19) VCF-style: chr15-89862465-G-A.
Other names: p.A1033V:GCA>GTA; c.3098C>T, p.Ala1033Val (NM_001126131.2); short protein forms A1033V.
Identifiers: ClinVar variation 206470 (VCV000206470.39), dbSNP rs551708243, ClinGen allele CA316596.
Genomic context (GRCh38, chr15:89,319,234, plus strand): 5'-TCTGGGGCAAGCCCAGACCCCTCCCTCCATCCTTAACACAAAGAAGGTTCTTACTTCCTT[G>A]CAGTTTCTCTCTGGACCTTGCGCAGATCCTGCAGGGAAATCCAGCCACCCTCAGTCCTGT-3'
Protein context (NP_002684.1, residues 1023-1043): QDLRKVQRET[Ala1033Val]RKSQWKKWEV